The following is an entry in ClinVar:

NM_024675.4(PALB2):c.1800A>C (p.Leu600Phe)

Gene: PALB2 (partner and localizer of BRCA2; minus strand). Cytogenetic location: 16p12.2.
Variant type: single nucleotide variant.
Coding change: c.1800A>C on transcript NM_024675.4 (MANE Select); coding-DNA position 1800, A replaced by C.
Protein change: p.Leu600Phe; replaces leucine 600 with phenylalanine.
Molecular consequence: missense variant.
Genome position (GRCh38, 1-based): chr16:23,630,354, T>G on the plus strand (A>C on the coding strand, the complement: PALB2 is on the minus strand). VCF-style: chr16-23630354-T-G. GRCh37 (hg19) VCF-style: chr16-23641675-T-G.
Other names: short protein forms L600F.
Identifiers: ClinVar variation 490072 (VCV000490072.5), dbSNP rs139662375, ClinGen allele CA395128053.

ClinVar aggregate classification (germline): Uncertain significance (1 of 4 stars; one submission).

Conditions:
Hereditary cancer-predisposing syndrome. Also called: Hereditary Cancer Syndrome; Neoplastic Syndromes, Hereditary; Tumor predisposition; Hereditary neoplastic syndrome. Identifiers: Orphanet 140162, MedGen C0027672, MeSH D009386, MONDO:0015356.

Allele frequency attached by ClinVar (database versions not stated): gnomAD exomes below 0.00001.
gnomAD v4.1: 1 of 1,614,190 alleles (0.000062%); highest among the groups gnomAD compares: Non-Finnish European, 0.000085%; no homozygotes.

Submission:

Color Diagnostics, LLC DBA Color Health
Classification: Uncertain significance for Hereditary cancer-predisposing syndrome. Last evaluated: 2023-12-05. Review status: criteria provided, single submitter. Criteria: ACMG Guidelines, 2015. Collection method: clinical testing. Allele origin: germline.
Comment: This missense variant replaces leucine with phenylalanine at codon 600 of the PALB2 protein. Computational prediction suggests that this variant may not impact protein structure and function (internally defined REVEL score threshold <= 0.5, PMID: 27666373). To our knowledge, functional studies have not been reported for this variant. This variant has not been reported in individuals affected with PALB2-related disorders in the literature. This variant has not been identified in the general population by the Genome Aggregation Database (gnomAD). The available evidence is insufficient to determine the role of this variant in disease conclusively. Therefore, this variant is classified as a Variant of Uncertain Significance.